The following is an entry in ClinVar:

ClinVar aggregate classification (germline): Uncertain significance (1 of 4 stars; one submission).

Conditions:
CTNNB1-related disorder. Also called: CTNNB1-related condition.

Submission:

PreventionGenetics, part of Exact Sciences
Classification: Uncertain significance for CTNNB1-related condition. Last evaluated: 2026-02-23. Review status: criteria provided, single submitter. Criteria: ACMG Guidelines, 2015. Collection method: clinical testing. Allele origin: germline.
Comment: The CTNNB1 c.1009C>G variant is predicted to result in the amino acid substitution p.Leu337Val. To our knowledge, this variant has not been reported in the literature or in a large population database (gnomAD), indicating this variant is rare. At this time, the clinical significance of this variant is uncertain due to the absence of conclusive functional and genetic evidence.

NM_001904.4(CTNNB1):c.1009C>G (p.Leu337Val)

Gene: CTNNB1 (catenin beta 1; plus strand). Cytogenetic location: 3p22.1.
Variant type: single nucleotide variant.
Coding change: c.1009C>G on transcript NM_001904.4 (MANE Select); coding-DNA position 1009, C replaced by G.
Protein change: p.Leu337Val; replaces leucine 337 with valine.
Molecular consequence: missense variant.
Genome position (GRCh38, 1-based): chr3:41,227,280, C>G. VCF-style: chr3-41227280-C-G. GRCh37 (hg19) VCF-style: chr3-41268771-C-G.
Other names: c.1009C>G, p.Leu337Val (NM_001098209.2, NM_001098210.2, NM_001438871.1 and 4 more transcripts); c.988C>G, p.Leu330Val (NM_001330729.2); short protein forms L330V, L337V.
Identifiers: ClinVar variation 4998092 (VCV004998092.1).